The following is an entry in ClinVar:

ClinVar aggregate classification (germline): Pathogenic. Review status: criteria provided, single submitter (1 of 4 stars). 3 submissions from 3 submitters: Pathogenic (1). 2 of the submissions do not count toward it. Last evaluated 2021-04-26.

Conditions:
Stickler syndrome, type 4 (STL4). Identifiers: Orphanet 250984, Orphanet 828, MedGen C3279941, MONDO:0013590, OMIM 614134.

Submissions (3):

Genetics Laboratory, UDIAT-Centre Diagnòstic, Hospital Universitari Parc Tauli
Classification: Pathogenic. Last evaluated: 2021-04-26. Review status: criteria provided, single submitter. Criteria: Parc Tauli Hospital Assertion Criteria 2021. Collection method: clinical testing. Allele origin: inherited. Inheritance: Autosomal recessive inheritance. Affected: yes. Observed: 1 homozygote.
Comment: PVS1_very strong;PM2_supporting;PM3_supporting;PP5_supporting

OMIM
Classification: Pathogenic for STICKLER SYNDROME, TYPE IV. Last evaluated: 2011-07-01. Review status: no assertion criteria provided. Collection method: literature only. Allele origin: germline. Not counted in ClinVar's aggregate classification.

GeneReviews
No classification provided. Condition: Stickler syndrome, type 4. Review status: no classification provided. Collection method: literature only. Allele origin: germline. Not counted in ClinVar's aggregate classification.

Literature cited by the submitters: PubMed 16909383 (cited by OMIM and GeneReviews); PubMed 21421862 (cited by OMIM); PubMed 20301479 (cited by GeneReviews).

NM_001851.6(COL9A1):c.883C>T (p.Arg295Ter)

Gene: COL9A1 (collagen type IX alpha 1 chain; minus strand). Cytogenetic location: 6q13.
Variant type: single nucleotide variant.
Coding change: c.883C>T on transcript NM_001851.6 (MANE Select); coding-DNA position 883, C replaced by T.
Protein change: p.Arg295Ter; replaces arginine 295 with a stop codon.
Molecular consequence: nonsense. On other transcripts: non-coding transcript variant (1).
Genome position (GRCh38, 1-based): chr6:70,281,033, G>A on the plus strand (C>T on the coding strand, the complement: COL9A1 is on the minus strand). VCF-style: chr6-70281033-G-A. GRCh37 (hg19) VCF-style: chr6-70990736-G-A.
Other names: c.154C>T, p.Arg52Ter (NM_001377289.1, NM_001377290.1, NM_078485.4); c.883C>T, p.Arg295Ter (NM_001377291.1); short protein forms R295*, R52*.
Identifiers: ClinVar variation 17195 (VCV000017195.6), dbSNP rs121912931, ClinGen allele CA341439.
Genomic context (GRCh38, chr6:70,281,033, plus strand): 5'-AGTGGAGCGCCATATGCTCCAATCAACTTACCGGGGGGCCCGGGGGGCCCTTAGGACCTC[G>A]GTCACCCTGGAGGGGTAGGAGAAAAAGAGAGAGCAGTCTATGAGCGGGATAGGCTGAGGA-3'